The following is an entry in ClinVar:

NM_000019.4(ACAT1):c.789del (p.Val264fs)

Gene: ACAT1 (acetyl-CoA acetyltransferase 1; plus strand). Cytogenetic location: 11q22.3.
Variant type: Deletion.
Coding change: c.789del on transcript NM_000019.4 (MANE Select); coding-DNA position 789, one base deleted (A; older notation c.789delA).
Protein change: p.Val264fs; shifts the reading frame from valine 264.
Molecular consequence: frameshift variant. On other transcripts: non-coding transcript variant (2).
Genome position (GRCh38, 1-based): chr11:108,141,663, A deleted; the last of 3 consecutive A bases (chr11:108,141,661-108,141,663); deleting any one gives the same sequence. VCF-style (leftmost placement, unchanged base first): chr11-108141660-CA-C. GRCh37 (hg19) VCF-style: chr11-108012387-CA-C.
Other names: c.789del, p.Val264fs (NM_001386677.1); c.474del, p.Val159fs (NM_001386678.1); c.492del, p.Val165fs (NM_001386679.1); c.519del, p.Val174fs (NM_001386681.1, NM_001386682.1, NM_001386685.1 and 6 more transcripts); short protein forms V165fs, V159fs, V174fs, V264fs.
Identifiers: ClinVar variation 2756494 (VCV002756494.3), dbSNP rs2496631337, ClinGen allele CA2697548952.

ClinVar aggregate classification (germline): Pathogenic (1 of 4 stars; one submission).

Conditions:
Deficiency of acetyl-CoA acetyltransferase. Also called: MITOCHONDRIAL ACETOACETYL-CoA THIOLASE DEFICIENCY; Beta-ketothiolase deficiency; 3-KETOTHIOLASE DEFICIENCY; 3-OXOTHIOLASE DEFICIENCY. Identifiers: Orphanet 134, MedGen C1536500, MONDO:0008760, OMIM 203750. Disease mechanism: loss of function.

Submission:

Labcorp Genetics (formerly Invitae), Labcorp
Classification: Pathogenic for Deficiency of acetyl-CoA acetyltransferase. Last evaluated: 2023-08-30. Review status: criteria provided, single submitter. Criteria: Invitae Variant Classification Sherloc (09022015). Collection method: clinical testing. Allele origin: germline.
Comment: For these reasons, this variant has been classified as Pathogenic. This variant has not been reported in the literature in individuals affected with ACAT1-related conditions. This variant is not present in population databases (gnomAD no frequency). This sequence change creates a premature translational stop signal (p.Val264Phefs*4) in the ACAT1 gene. It is expected to result in an absent or disrupted protein product. Loss-of-function variants in ACAT1 are known to be pathogenic (PMID: 7749408).

Literature cited by the submitters: PubMed 7749408.